The following is an entry in ClinVar:

NM_004655.4(AXIN2):c.198G>T (p.Glu66Asp)

Gene: AXIN2 (axin 2; minus strand). Cytogenetic location: 17q24.1.
Variant type: single nucleotide variant.
Coding change: c.198G>T on transcript NM_004655.4 (MANE Select); coding-DNA position 198, G replaced by T.
Protein change: p.Glu66Asp; replaces glutamic acid 66 with aspartic acid.
Molecular consequence: missense variant.
Genome position (GRCh38, 1-based): chr17:65,558,423, C>A on the plus strand (G>T on the coding strand, the complement: AXIN2 is on the minus strand). VCF-style: chr17-65558423-C-A. GRCh37 (hg19) VCF-style: chr17-63554541-C-A.
Other names: c.198G>T, p.Glu66Asp (NM_001363813.1); short protein forms E66D.
Identifiers: ClinVar variation 1475418 (VCV001475418.8), dbSNP rs2144589806, ClinGen allele CA400681913.

ClinVar aggregate classification (germline): Uncertain significance (1 of 4 stars; one submission).

Conditions:
Oligodontia-cancer predisposition syndrome. Also called: TOOTH AGENESIS-COLORECTAL CANCER SYNDROME. Identifiers: Orphanet 300576, MedGen C1837750, MONDO:0012075, OMIM 608615. Disease mechanism: loss of function.

Submission:

Labcorp Genetics (formerly Invitae), Labcorp
Classification: Uncertain significance for Oligodontia-cancer predisposition syndrome. Last evaluated: 2021-03-25. Review status: criteria provided, single submitter. Criteria: Invitae Variant Classification Sherloc (09022015). Collection method: clinical testing. Allele origin: germline.
Comment: This sequence change replaces glutamic acid with aspartic acid at codon 66 of the AXIN2 protein (p.Glu66Asp). The glutamic acid residue is highly conserved and there is a small physicochemical difference between glutamic acid and aspartic acid. This variant is not present in population databases (ExAC no frequency). This variant has not been reported in the literature in individuals with AXIN2-related conditions. Algorithms developed to predict the effect of missense changes on protein structure and function are either unavailable or do not agree on the potential impact of this missense change (SIFT: "Tolerated"; PolyPhen-2: "Probably Damaging"; Align-GVGD: "Class C0"). In summary, the available evidence is currently insufficient to determine the role of this variant in disease. Therefore, it has been classified as a Variant of Uncertain Significance.